The following is an entry in ClinVar:

NM_172351.3(CD46):c.692C>G (p.Pro231Arg)

Gene: CD46 (CD46 molecule; plus strand). Cytogenetic location: 1q32.2.
Variant type: single nucleotide variant.
Coding change: c.692C>G on transcript NM_172351.3 (MANE Select); coding-DNA position 692, C replaced by G.
Protein change: p.Pro231Arg; replaces proline 231 with arginine.
Molecular consequence: missense variant.
Genome position (GRCh38, 1-based): chr1:207,767,031, C>G. VCF-style: chr1-207767031-C-G. GRCh37 (hg19) VCF-style: chr1-207940376-C-G.
Other names: c.692C>G, p.Pro231Arg (NM_002389.4, NM_153826.4, NM_172350.3 and 8 more transcripts); short protein forms P231R.
Identifiers: ClinVar variation 1162906 (VCV001162906.13), dbSNP rs1271761432, ClinGen allele CA344550721.

ClinVar aggregate classification (germline): Conflicting classifications of pathogenicity. Review status: criteria provided, conflicting classifications (1 of 4 stars). 4 submissions from 4 submitters: Likely pathogenic (2); Uncertain significance (2). Last evaluated 2026-09-17.

Conditions:
Atypical hemolytic-uremic syndrome. Identifiers: Orphanet 2134, MedGen C2931788, MONDO:0016244.
CD46-related disorders.

Allele frequency attached by ClinVar (database versions not stated): TOPMed below 0.00001.

Submissions (4):

Genomenon, Inc
Classification: Likely pathogenic for Atypical hemolytic-uremic syndrome. Last evaluated: 2026-09-17. Review status: criteria provided, single submitter. Criteria: Genomenon Sequence Variant Interpretation Standards - Updated. Collection method: curation. Allele origin: germline. Affected: yes.
Comment: CD46 p.Pro231Arg (c.692C>G) is a missense variant that changes the amino acid at codon 231 from proline to arginine. This variant has been observed in at least one proband affected with atypical hemolytic-uremic syndrome (PMID:39290489;24029428;20513133). This variant is located in a mutational hotspot and/or important functional domain. It is absent or not present at a significant frequency in gnomAD. In silico models predict that this variant is possibly or probably damaging. In conclusion, we classify CD46 p.Pro231Arg (c.692C>G) as a likely pathogenic variant.

Labcorp Genetics (formerly Invitae), Labcorp
Classification: Uncertain significance. Last evaluated: 2025-02-03. Review status: criteria provided, single submitter. Criteria: Invitae Variant Classification Sherloc (09022015). Collection method: clinical testing. Allele origin: germline.
Comment: This sequence change replaces proline, which is neutral and non-polar, with arginine, which is basic and polar, at codon 231 of the CD46 protein (p.Pro231Arg). This variant is not present in population databases (gnomAD no frequency). This missense change has been observed in individual(s) with clinical features of atypical hemolytic uremic syndrome (PMID: 20513133, 24029428). ClinVar contains an entry for this variant (Variation ID: 1162906). Invitae Evidence Modeling of protein sequence and biophysical properties (such as structural, functional, and spatial information, amino acid conservation, physicochemical variation, residue mobility, and thermodynamic stability) indicates that this missense variant is expected to disrupt CD46 protein function with a positive predictive value of 80%. In summary, the available evidence is currently insufficient to determine the role of this variant in disease. Therefore, it has been classified as a Variant of Uncertain Significance.

Mayo Clinic Laboratories, Mayo Clinic
Classification: Uncertain significance. Last evaluated: 2022-11-16. Review status: criteria provided, single submitter. Criteria: ACMG Guidelines, 2015. Collection method: clinical testing. Allele origin: germline. Observed: 2 variant alleles.
Comment: PM2_supporting, PS4_supporting

Blueprint Genetics
Classification: Likely pathogenic for CD46-related disorders. Last evaluated: 2019-03-11. Review status: criteria provided, single submitter. Criteria: ACMG Guidelines, 2015. Collection method: clinical testing. Allele origin: germline. Affected: yes. Observed: 1 variant allele.

Literature cited by the submitters: PubMed 39290489 (cited by Genomenon, Inc); PubMed 24029428 (cited by 3 submitters); PubMed 20513133 (cited by 3 submitters).